The following is an entry in ClinVar:

ClinVar aggregate classification (germline): Uncertain significance. Review status: criteria provided, multiple submitters, no conflicts (2 of 4 stars). 3 submissions from 3 submitters: Uncertain significance (3). Last evaluated 2020-03-26.

Conditions:
Primary ciliary dyskinesia. Also called: Ciliary dyskinesia. Identifiers: Orphanet 244, MedGen C0008780, MONDO:0016575, HP:0012265.
Primary ciliary dyskinesia 3. Identifiers: Orphanet 244, MedGen C1837618, MONDO:0012085, OMIM 608644.

Submissions (3):

HudsonAlpha Institute for Biotechnology
Classification: Uncertain significance for Primary ciliary dyskinesia 3. Last evaluated: 2020-03-26. Review status: criteria provided, single submitter. Criteria: ACMG Guidelines, 2015. Collection method: research. Allele origin: unknown. Affected: yes. Observed: 1 variant allele. Study: CSER-SouthSeq.
Comment: ACMG codes: PM2, PP3

Revvity Omics, Revvity
Classification: Uncertain significance for Primary ciliary dyskinesia 3. Last evaluated: 2020-02-19. Review status: criteria provided, single submitter. Criteria: ACMG Guidelines, 2015. Collection method: clinical testing. Allele origin: germline.

Ambry Genetics
Classification: Uncertain significance for Primary ciliary dyskinesia. Last evaluated: 2015-05-26. Review status: criteria provided, single submitter. Criteria: Ambry Variant Classification Scheme 2023. Collection method: clinical testing. Allele origin: germline.
Comment: The c.11028+5G>A intronic variant results from a G to A substitution 5 nucleotides after coding exon 64 in the DNAH5 gene. This variant was not reported in population based cohorts in the following databases: Database of Single Nucleotide Polymorphisms (dbSNP), NHLBI Exome Sequencing Project (ESP), and 1000 Genomes Project. In the ESP, this variant was not observed in 6503 samples (13006 alleles) with coverage at this position. This nucleotide position is not well conserved in available vertebrate species. Using the BDGP and ESEfinder splice site prediction tools, this alteration is predicted to weaken the efficiency of the native donor splice site; however, direct evidence is unavailable. Since supporting evidence is limited at this time, the clinical significance of this variant remains unclear.

NM_001369.3(DNAH5):c.11028+5G>A

Gene: DNAH5 (dynein axonemal heavy chain 5; minus strand). Cytogenetic location: 5p15.2.
Variant type: single nucleotide variant.
Coding change: c.11028+5G>A on transcript NM_001369.3 (MANE Select); 5 bases into the intron after coding-DNA position 11028, G replaced by A.
Molecular consequence: intron variant.
Genome position (GRCh38, 1-based): chr5:13,752,129, C>T on the plus strand (G>A on the coding strand, the complement: DNAH5 is on the minus strand). VCF-style: chr5-13752129-C-T. GRCh37 (hg19) VCF-style: chr5-13752238-C-T.
Identifiers: ClinVar variation 929445 (VCV000929445.6), dbSNP rs1419129615, ClinGen allele CA1139658755.
Genomic context (GRCh38, chr5:13,752,129, plus strand): 5'-TGTGTCACATTGACCTGGCCTCATGGTAATTGTTCTGCACATTGTCATCCATAGGTTTAA[C>T]CTACCTTAAAGGTAGACCCAGTTTTAATGAAGTTTCTTTCCAAAACATTATCTAGTGCTG-3'